The following is an entry in ClinVar:

NM_170606.3(KMT2C):c.13750C>T (p.Arg4584Trp)

Gene: KMT2C (lysine methyltransferase 2C; minus strand). Cytogenetic location: 7q36.1.
Variant type: single nucleotide variant.
Coding change: c.13750C>T on transcript NM_170606.3 (MANE Select); coding-DNA position 13750, C replaced by T.
Protein change: p.Arg4584Trp; replaces arginine 4584 with tryptophan.
Molecular consequence: missense variant.
Genome position (GRCh38, 1-based): chr7:152,148,177, G>A on the plus strand (C>T on the coding strand, the complement: KMT2C is on the minus strand). VCF-style: chr7-152148177-G-A. GRCh37 (hg19) VCF-style: chr7-151845262-G-A.
Other names: c.13750C>T (NM_170606.2); short protein forms R4584W.
Identifiers: ClinVar variation 3594435 (VCV003594435.2).

ClinVar aggregate classification (germline): Uncertain significance. Review status: criteria provided, multiple submitters, no conflicts (2 of 4 stars). 2 submissions from 2 submitters: Uncertain significance (2). Last evaluated 2026-02-25.

Conditions:
Kleefstra syndrome 2 (KLEFS2). Identifiers: MedGen C4540395, MONDO:0054701, OMIM 617768.

gnomAD v4.1: 1 of 1,614,180 alleles (0.000062%); highest among the groups gnomAD compares: Non-Finnish European, 0.000085%; no homozygotes.

Submissions (2):

GeneDx
Classification: Uncertain significance. Last evaluated: 2026-02-25. Review status: criteria provided, single submitter. Criteria: GeneDx Variant Classification Process June 2021. Collection method: clinical testing. Allele origin: germline.
Comment: Not observed at significant frequency in large population cohorts (gnomAD); In silico analysis supports that this missense variant has a deleterious effect on protein structure/function; Has not been previously published as pathogenic or benign to our knowledge

Fulgent Genetics
Classification: Uncertain significance for Kleefstra syndrome 2. Last evaluated: 2024-05-22. Review status: criteria provided, single submitter. Criteria: ACMG Guidelines, 2015. Collection method: clinical testing. Allele origin: germline.